The following is an entry in ClinVar:

ClinVar aggregate classification (germline): Uncertain significance (1 of 4 stars; one submission).

Submission:

GeneDx
Classification: Uncertain significance. Last evaluated: 2026-02-25. Review status: criteria provided, single submitter. Criteria: GeneDx Variant Classification Process June 2021. Collection method: clinical testing. Allele origin: germline.
Comment: Not observed at significant frequency in large population cohorts (gnomAD); In silico analysis supports that this missense variant has a deleterious effect on protein structure/function; Has not been previously published as pathogenic or benign to our knowledge

NM_004979.6(KCND1):c.896T>C (p.Val299Ala)

Gene: KCND1 (potassium voltage-gated channel subfamily D member 1; minus strand). Cytogenetic location: Xp11.23.
Variant type: single nucleotide variant.
Coding change: c.896T>C on transcript NM_004979.6 (MANE Select); coding-DNA position 896, T replaced by C.
Protein change: p.Val299Ala; replaces valine 299 with alanine.
Molecular consequence: missense variant.
Genome position (GRCh38, 1-based): chrX:48,969,376, A>G on the plus strand (T>C on the coding strand, the complement: KCND1 is on the minus strand). VCF-style: chrX-48969376-A-G. GRCh37 (hg19) VCF-style: chrX-48825783-A-G.
Other names: short protein forms V299A.
Identifiers: ClinVar variation 5009872 (VCV005009872.1).
Genomic context (GRCh38, chrX:48,969,376, plus strand): 5'-AGTGTGTAGCCCAGAATCCTCAAGCCCTGTGAGTGCCTGGAGAACTTGAAGATGCGAAAC[A>G]CCCGGAACACACGCAGGGTGACAAAGGCGCCAGAGACATCGTCGTTCTTGGGCACCAAAA-3'
Protein context (NP_004970.3, residues 289-309): GAFVTLRVFR[Val299Ala]FRIFKFSRHS